The following is an entry in ClinVar:

NM_000051.4(ATM):c.504C>T (p.Phe168=)

Gene: ATM (ATM serine/threonine kinase; plus strand). Cytogenetic location: 11q22.3.
Variant type: single nucleotide variant.
Coding change: c.504C>T on transcript NM_000051.4 (MANE Select); coding-DNA position 504, C replaced by T.
Protein change: p.Phe168=; no amino-acid change (phenylalanine 168 retained).
Molecular consequence: synonymous variant.
Genome position (GRCh38, 1-based): chr11:108,243,960, C>T. VCF-style: chr11-108243960-C-T. GRCh37 (hg19) VCF-style: chr11-108114687-C-T.
Other names: c.504C>T, p.Phe168= (NM_001351834.2).
Identifiers: ClinVar variation 414611 (VCV000414611.12), dbSNP rs1060504312, ClinGen allele CA16612972.

ClinVar aggregate classification (germline): Benign/Likely benign. Review status: criteria provided, multiple submitters, no conflicts (2 of 4 stars). 4 submissions from 4 submitters: Benign (1); Likely benign (3). Last evaluated 2025-10-12.

Conditions:
Hereditary cancer-predisposing syndrome. Also called: Tumor predisposition; Neoplastic Syndromes, Hereditary; Hereditary Cancer Syndrome; Hereditary neoplastic syndrome. Identifiers: Orphanet 140162, MedGen C0027672, MeSH D009386, MONDO:0015356.
Familial cancer of breast. Also called: Hereditary breast cancer; BREAST CANCER, FAMILIAL; hereditary breast carcinoma. Identifiers: Orphanet 227535, MedGen C0346153, MONDO:0016419, OMIM 114480. Disease mechanism: loss of function.
Ataxia-telangiectasia syndrome (AT). Also called: Ataxia-telangiectasia; Cerebello-oculocutaneous telangiectasia; Immunodeficiency with ataxia telangiectasia; ATAXIA-TELANGIECTASIA, COMPLEMENTATION GROUP A; ATAXIA-TELANGIECTASIA, FRESNO VARIANT; Ataxia-telangiectasia, complementation group D. Identifiers: Orphanet 100, MedGen C0004135, MONDO:0008840, OMIM 208900.

Submissions (4):

Labcorp Genetics (formerly Invitae), Labcorp
Classification: Likely benign for Ataxia-telangiectasia syndrome. Last evaluated: 2025-10-12. Review status: criteria provided, single submitter. Criteria: Invitae Variant Classification Sherloc (09022015). Collection method: clinical testing. Allele origin: germline.

Myriad Genetics, Inc.
Classification: Benign for Familial cancer of breast. Last evaluated: 2024-04-19. Review status: criteria provided, single submitter. Criteria: Myriad Autosomal Dominant, Autosomal Recessive and X-Linked Classification Criteria (2023). Collection method: clinical testing. Allele origin: unknown.
Comment: This variant is considered benign. This variant is a silent/synonymous amino acid change and it is not expected to impact splicing.

Ambry Genetics
Classification: Likely benign for Hereditary cancer-predisposing syndrome. Last evaluated: 2020-06-28. Review status: criteria provided, single submitter. Criteria: Ambry Variant Classification Scheme 2023. Collection method: clinical testing. Allele origin: germline.

Mendelics
Classification: Likely benign for Ataxia-telangiectasia syndrome. Last evaluated: 2019-05-28. Review status: criteria provided, single submitter. Criteria: Mendelics Assertion Criteria 2017. Collection method: clinical testing. Allele origin: unknown.